The following is an entry in ClinVar:

ClinVar aggregate classification (germline): Benign/Likely benign. Review status: criteria provided, multiple submitters, no conflicts (2 of 4 stars). 6 submissions from 6 submitters: Benign (5); Likely benign (1). Last evaluated 2026-02-04.

Conditions:
Primary ciliary dyskinesia 27. Also called: CILIARY DYSKINESIA, PRIMARY, 27, WITHOUT SITUS INVERSUS. Identifiers: Orphanet 244, MedGen C3809701, MONDO:0014215, OMIM 615504.

Allele frequency attached by ClinVar (database versions not stated): 1000 Genomes Project 30x 0.30465; ESP Exome Variant Server 0.30632; 1000 Genomes Project 0.30771; gnomAD 0.32404 and 0.32502; TOPMed 0.33694.
gnomAD v4.1: 597,753 of 1,613,438 alleles (37%); highest among the groups gnomAD compares: Admixed American, 52%; 115,390 homozygotes.

Submissions (6):

Labcorp Genetics (formerly Invitae), Labcorp
Classification: Benign for Primary ciliary dyskinesia 27. Last evaluated: 2026-02-04. Review status: criteria provided, single submitter. Criteria: Invitae Variant Classification Sherloc (09022015). Collection method: clinical testing. Allele origin: germline.

Blueprint Genetics
Classification: Likely benign. Last evaluated: 2024-11-27. Review status: criteria provided, single submitter. Criteria: ACMG Guidelines, 2015. Collection method: clinical testing. Allele origin: germline.

Genome-Nilou Lab
Classification: Benign for Primary ciliary dyskinesia 27. Last evaluated: 2021-07-14. Review status: criteria provided, single submitter. Criteria: ACMG Guidelines, 2015. Collection method: clinical testing. Allele origin: germline. Affected: no.

GeneDx
Classification: Benign. Last evaluated: 2018-12-31. Review status: criteria provided, single submitter. Criteria: GeneDx Variant Classification Process June 2021. Collection method: clinical testing. Allele origin: germline. Affected: yes.

Laboratory for Molecular Medicine, Mass General Brigham Personalized Medicine
Classification: Benign. Last evaluated: 2016-03-29. Review status: criteria provided, single submitter. Criteria: LMM Criteria. Collection method: clinical testing. Allele origin: germline.
Comment: Variant identified in a genome or exome case(s) and assessed due to predicted null impact of the variant or pathogenic assertions in the literature or databases. Disclaimer: This variant has not undergone full assessment. The following are preliminary notes: Frequency

Breakthrough Genomics
Classification: Benign. Review status: criteria provided, single submitter. Criteria: ACMG Guidelines, 2015. Collection method: not provided. Allele origin: germline. Inheritance: Autosomal recessive inheritance. Affected: yes.

NM_033124.5(DRC2):c.933A>G (p.Arg311=)

Gene: DRC2 (dynein regulatory complex subunit 2; plus strand). Cytogenetic location: 12q13.12.
Variant type: single nucleotide variant.
Coding change: c.933A>G on transcript NM_033124.5 (MANE Select); coding-DNA position 933, A replaced by G.
Protein change: p.Arg311=; no amino-acid change (arginine 311 retained).
Molecular consequence: synonymous variant.
Genome position (GRCh38, 1-based): chr12:48,918,810, A>G. VCF-style: chr12-48918810-A-G. GRCh37 (hg19) VCF-style: chr12-49312593-A-G.
Other names: c.504A>G, p.Arg168= (NM_001286957.2).
Identifiers: ClinVar variation 402502 (VCV000402502.21), dbSNP rs10875893, ClinGen allele CA6543378.
Genomic context (GRCh38, chr12:48,918,810, plus strand): 5'-GTATATCCGTAATGACAAGGAATTGGTCCTTGTACAACTGCGAAAACTTAAGGCCCAAAG[A>G]ACTCAGGCCCGGGCAGCATCCCAGAAGAACTTAGTCAGACTCACCCTGGAAAGTAATGCC-3'
Protein context (NP_149115.2, residues 301-321): LVQLRKLKAQ[Arg311=]TQARAASQKN